The following is an entry in ClinVar:

ClinVar aggregate classification (germline): Uncertain significance (1 of 4 stars; one submission).

Conditions:
LSR-related condition.

Submission:

PreventionGenetics, part of Exact Sciences
Classification: Uncertain significance for LSR-related condition. Last evaluated: 2026-01-13. Review status: criteria provided, single submitter. Criteria: ACMG Guidelines, 2015. Collection method: clinical testing. Allele origin: germline.
Comment: The LSR c.1833_1835delGGA variant is predicted to result in an in-frame deletion (p.Glu613del). To our knowledge, this variant has not been reported in the literature. This variant is reported in 0.013% of alleles in individuals of African descent in gnomAD. At this time, the clinical significance of this variant is uncertain due to the absence of conclusive functional and genetic evidence.

NM_205834.4(LSR):c.1680GGA[3] (p.Glu565del)

Gene: LSR (lipolysis stimulated lipoprotein receptor; plus strand). Cytogenetic location: 19q13.12.
Variant type: Microsatellite.
Coding change: c.1680GGA[3] on transcript NM_205834.4 (MANE Select); three copies in a row of the 3-base unit GGA starting at c.1680; the reference has four copies in a row; one copy, 3 bases deleted.
Protein change: p.Glu565del; deletes glutamic acid 565.
Molecular consequence: inframe deletion.
Genome position (GRCh38, 1-based): chr19:35,267,653-35,267,655, GGA deleted; deleting any 3 consecutive bases within chr19:35,267,643-35,267,655 gives the same sequence; the position shown is the placement nearest the transcript's 3' end. VCF-style (leftmost placement, unchanged base first): chr19-35267642-AAGG-A. GRCh37 (hg19) VCF-style: chr19-35758545-AAGG-A.
Other names: c.1620GGA[3], p.Glu545del (NM_001260489.2); c.1356GGA[3], p.Glu457del (NM_001260490.2); c.1473GGA[3], p.Glu496del (NM_001385215.1); c.1623GGA[3], p.Glu546del (NM_015925.7); c.1476GGA[3], p.Glu497del (NM_205835.4); short protein forms E545del, E565del, E457del, E497del, E546del, E496del.
Identifiers: ClinVar variation 4996517 (VCV004996517.1).